The following is an entry in ClinVar:

NM_022041.4(GAN):c.800A>G (p.Lys267Arg)

Gene: GAN (gigaxonin; plus strand). Cytogenetic location: 16q23.2.
Variant type: single nucleotide variant.
Coding change: c.800A>G on transcript NM_022041.4 (MANE Select); coding-DNA position 800, A replaced by G.
Protein change: p.Lys267Arg; replaces lysine 267 with arginine.
Molecular consequence: missense variant.
Genome position (GRCh38, 1-based): chr16:81,356,951, A>G. VCF-style: chr16-81356951-A-G. GRCh37 (hg19) VCF-style: chr16-81390556-A-G.
Other names: c.161A>G, p.Lys54Arg (NM_001377486.1); short protein forms K54R, K267R.
Identifiers: ClinVar variation 1357198 (VCV001357198.8), dbSNP rs777669948, ClinGen allele CA8191485.
Genomic context (GRCh38, chr16:81,356,951, plus strand): 5'-AGTGTAGCAATATACCGCTCAGCCAGCCGCAGCAAGGGGAGGCGATGCTGGCCAACTTCA[A>G]ACCCCGGGGCTACTCTGAGTGCATCGTGACTGTTGGTGGAGAAGAGAGAGTGTAAGTATG-3'
Protein context (NP_071324.1, residues 257-277): QQGEAMLANF[Lys267Arg]PRGYSECIVT

ClinVar aggregate classification (germline): Uncertain significance (1 of 4 stars; one submission).

Conditions:
Giant axonal neuropathy 1 (GAN1). Also called: GIANT AXONAL NEUROPATHY 1, AUTOSOMAL RECESSIVE; GAN-Related Neurodegeneration. Identifiers: Orphanet 643, MedGen C1850386, MONDO:0009749, OMIM 256850.

Allele frequency attached by ClinVar (database versions not stated): gnomAD exomes below 0.00001; ExAC 0.00001.
gnomAD v4.1: 2 of 1,613,690 alleles (0.00012%); highest among the groups gnomAD compares: East Asian, 0.0022%; no homozygotes.

Submission:

Labcorp Genetics (formerly Invitae), Labcorp
Classification: Uncertain significance for Giant axonal neuropathy 1. Last evaluated: 2021-04-04. Review status: criteria provided, single submitter. Criteria: Invitae Variant Classification Sherloc (09022015). Collection method: clinical testing. Allele origin: germline.
Comment: Algorithms developed to predict the effect of sequence changes on RNA splicing suggest that this variant may create or strengthen a splice site, but this prediction has not been confirmed by published transcriptional studies. Algorithms developed to predict the effect of missense changes on protein structure and function (SIFT, PolyPhen-2, Align-GVGD) all suggest that this variant is likely to be tolerated, but these predictions have not been confirmed by published functional studies and their clinical significance is uncertain. This variant has not been reported in the literature in individuals with GAN-related conditions. The frequency data for this variant in the population databases is considered unreliable, as metrics indicate poor data quality at this position in the ExAC database. This sequence change replaces lysine with arginine at codon 267 of the GAN protein (p.Lys267Arg). The lysine residue is highly conserved and there is a small physicochemical difference between lysine and arginine. In summary, the available evidence is currently insufficient to determine the role of this variant in disease. Therefore, it has been classified as a Variant of Uncertain Significance.